The following is an entry in ClinVar:

NM_006231.4(POLE):c.4059T>G (p.Ser1353Arg)

Gene: POLE (DNA polymerase epsilon, catalytic subunit; minus strand). Cytogenetic location: 12q24.33.
Variant type: single nucleotide variant.
Coding change: c.4059T>G on transcript NM_006231.4 (MANE Select); coding-DNA position 4059, T replaced by G.
Protein change: p.Ser1353Arg; replaces serine 1353 with arginine.
Molecular consequence: missense variant.
Genome position (GRCh38, 1-based): chr12:132,649,019, A>C on the plus strand (T>G on the coding strand, the complement: POLE is on the minus strand). VCF-style: chr12-132649019-A-C. GRCh37 (hg19) VCF-style: chr12-133225605-A-C.
Other names: c.4059T>G (NM_006231.2); short protein forms S1353R.
Identifiers: ClinVar variation 540637 (VCV000540637.11), dbSNP rs1555223871, ClinGen allele CA387383868.
Genomic context (GRCh38, chr12:132,649,019, plus strand): 5'-AGCGACTCGCTGGTTCACGTAGAACACACGGGGGATGCTCAGCCTGATGCAGTGCAAGTC[A>C]CTGCCAACGAGCGCCCACAGCCTGAACAGGCCGGCCTGGCTGGTCTCGCTGATCTGAAAG-3'
Protein context (NP_006222.2, residues 1343-1363): GLFRLWALVG[Ser1353Arg]DLHCIRLSIP

ClinVar aggregate classification (germline): Uncertain significance. Review status: criteria provided, multiple submitters, no conflicts (2 of 4 stars). 2 submissions from 2 submitters: Uncertain significance (2). Last evaluated 2025-08-09.

Conditions:
Hereditary cancer-predisposing syndrome. Also called: Neoplastic Syndromes, Hereditary; Hereditary Cancer Syndrome; Hereditary neoplastic syndrome; Tumor predisposition. Identifiers: Orphanet 140162, MedGen C0027672, MeSH D009386, MONDO:0015356.

Submissions (2):

Ambry Genetics
Classification: Uncertain significance for Hereditary cancer-predisposing syndrome. Last evaluated: 2025-08-09. Review status: criteria provided, single submitter. Criteria: Ambry Variant Classification Scheme 2023. Collection method: clinical testing. Allele origin: germline.
Comment: The p.S1353R variant (also known as c.4059T>G), located in coding exon 32 of the POLE gene, results from a T to G substitution at nucleotide position 4059. The serine at codon 1353 is replaced by arginine, an amino acid with dissimilar properties. This amino acid position is conserved. In addition, this alteration is predicted to be tolerated by in silico analysis. Since supporting evidence is limited at this time, the clinical significance of this alteration remains unclear.

Labcorp Genetics (formerly Invitae), Labcorp
Classification: Uncertain significance. Last evaluated: 2025-03-02. Review status: criteria provided, single submitter. Criteria: Invitae Variant Classification Sherloc (09022015). Collection method: clinical testing. Allele origin: germline.
Comment: This sequence change replaces serine, which is neutral and polar, with arginine, which is basic and polar, at codon 1353 of the POLE protein (p.Ser1353Arg). This variant is not present in population databases (gnomAD no frequency). This variant has not been reported in the literature in individuals affected with POLE-related conditions. ClinVar contains an entry for this variant (Variation ID: 540637). Invitae Evidence Modeling of protein sequence and biophysical properties (such as structural, functional, and spatial information, amino acid conservation, physicochemical variation, residue mobility, and thermodynamic stability) indicates that this missense variant is not expected to disrupt POLE protein function with a negative predictive value of 80%. In summary, the available evidence is currently insufficient to determine the role of this variant in disease. Therefore, it has been classified as a Variant of Uncertain Significance.